The following is an entry in ClinVar:

ClinVar aggregate classification (germline): Pathogenic (1 of 4 stars; one submission).

Conditions:
Primary ciliary dyskinesia. Also called: Ciliary dyskinesia. Identifiers: Orphanet 244, MedGen C0008780, MONDO:0016575, HP:0012265.

Submission:

Labcorp Genetics (formerly Invitae), Labcorp
Classification: Pathogenic for Primary ciliary dyskinesia. Last evaluated: 2025-08-08. Review status: criteria provided, single submitter. Criteria: Invitae Variant Classification Sherloc (09022015). Collection method: clinical testing. Allele origin: germline.
Comment: This sequence change creates a premature translational stop signal (p.Lys777Glufs*35) in the RPGR (ORF15) gene. While this is not anticipated to result in nonsense mediated decay, it is expected to disrupt the last 376 amino acid(s) of the RPGR (ORF15) protein. This variant is not present in population databases (gnomAD no frequency). This variant has not been reported in the literature in individuals affected with RPGR (ORF15)-related conditions. This variant disrupts a region of the RPGR (ORF15) protein in which other variant(s) (p.Asn1132Thrfs*20) have been determined to be pathogenic (PMID: 18552978, 25283059; internal data). This suggests that this is a clinically significant region of the protein, and that variants that disrupt it are likely to be disease-causing. For these reasons, this variant has been classified as Pathogenic.

Literature cited by the submitters: PubMed 18552978; PubMed 25283059.

NM_001034853.2(RPGR):c.2329_2338del (p.Lys777fs)

Gene: RPGR (retinitis pigmentosa GTPase regulator; minus strand). Cytogenetic location: Xp11.4.
Variant type: Deletion.
Coding change: c.2329_2338del on transcript NM_001034853.2 (MANE Select); coding-DNA positions 2329 to 2338, 10 bases deleted (AAGGAGGAAA; older notation c.2329_2338delAAGGAGGAAA).
Protein change: p.Lys777fs; shifts the reading frame from lysine 777.
Molecular consequence: frameshift variant. On other transcripts: intron variant (8).
Genome position (GRCh38, 1-based): chrX:38,286,661-38,286,670, TTTCCTCCTT deleted on the plus strand (AAGGAGGAAA on the coding strand, the reverse complement: RPGR is on the minus strand); deleting any 10 consecutive bases within chrX:38,286,661-38,286,677 gives the same sequence; the c. name uses the placement nearest the transcript's 3' end. VCF-style (leftmost placement, unchanged base first): chrX-38286660-CTTTCCTCCTT-C. GRCh37 (hg19) VCF-style: chrX-38145913-CTTTCCTCCTT-C.
Other names: c.1569+4289_1569+4298del (NM_001367249.1, NM_001367250.1); c.1902+424_1902+433del (NM_001367245.1); c.1386+4289_1386+4298del (NM_001367251.1); c.1719+424_1719+433del (NM_001367246.1); c.1572+4289_1572+4298del (NM_001367247.1); c.1905+424_1905+433del (NM_000328.3); c.1602+4289_1602+4298del (NM_001367248.1); short protein forms K777fs.
Identifiers: ClinVar variation 4725042 (VCV004725042.1).